The following is an entry in ClinVar:

NM_173560.4(RFX6):c.938A>C (p.Asp313Ala)

Gene: RFX6 (regulatory factor X6; plus strand). Cytogenetic location: 6q22.1.
Variant type: single nucleotide variant.
Coding change: c.938A>C on transcript NM_173560.4 (MANE Select); coding-DNA position 938, A replaced by C.
Protein change: p.Asp313Ala; replaces aspartic acid 313 with alanine.
Molecular consequence: missense variant.
Genome position (GRCh38, 1-based): chr6:116,916,280, A>C. VCF-style: chr6-116916280-A-C. GRCh37 (hg19) VCF-style: chr6-117237443-A-C.
Other names: short protein forms D313A.
Identifiers: ClinVar variation 3371557 (VCV003371557.1).

ClinVar aggregate classification (germline): Uncertain significance (1 of 4 stars; one submission).

Submission:

GeneDx
Classification: Uncertain significance. Last evaluated: 2024-03-27. Review status: criteria provided, single submitter. Criteria: GeneDx Variant Classification Process June 2021. Collection method: clinical testing. Allele origin: germline. Affected: yes.
Comment: Not observed at significant frequency in large population cohorts (gnomAD); In silico analysis supports that this missense variant has a deleterious effect on protein structure/function; Has not been previously published as pathogenic or benign to our knowledge